The following is an entry in ClinVar:

ClinVar aggregate classification (germline): Uncertain significance. Review status: criteria provided, multiple submitters, no conflicts (2 of 4 stars). 3 submissions from 3 submitters: Uncertain significance (3). Last evaluated 2026-01-05.

Conditions:
Inborn genetic diseases. Identifiers: MedGen C0950123, MeSH D030342.

Allele frequency attached by ClinVar (database versions not stated): gnomAD exomes 0.00001 and 0.00002; TOPMed 0.00002; ExAC 0.00003; gnomAD 0.00003; ESP Exome Variant Server 0.00008.

Submissions (3):

Labcorp Genetics (formerly Invitae), Labcorp
Classification: Uncertain significance. Last evaluated: 2026-01-05. Review status: criteria provided, single submitter. Criteria: Invitae Variant Classification Sherloc (09022015). Collection method: clinical testing. Allele origin: germline.
Comment: This sequence change replaces glycine, which is neutral and non-polar, with aspartic acid, which is acidic and polar, at codon 545 of the CNGA1 protein (p.Gly545Asp). This variant is present in population databases (rs373120472, gnomAD 0.03%). This missense change has been observed in individual(s) with clinical features of CNGA1-related conditions (internal data). ClinVar contains an entry for this variant (Variation ID: 951694). Invitae Evidence Modeling of protein sequence and biophysical properties (such as structural, functional, and spatial information, amino acid conservation, physicochemical variation, residue mobility, and thermodynamic stability) indicates that this missense variant is expected to disrupt CNGA1 protein function with a positive predictive value of 80%. This variant disrupts the p.Gly545 amino acid residue in CNGA1. Other variant(s) that disrupt this residue have been observed in individuals with CNGA1-related conditions (PMID: 25324289), which suggests that this may be a clinically significant amino acid residue. In summary, the available evidence is currently insufficient to determine the role of this variant in disease. Therefore, it has been classified as a Variant of Uncertain Significance.

Ambry Genetics
Classification: Uncertain significance for Inborn genetic diseases. Last evaluated: 2025-03-26. Review status: criteria provided, single submitter. Criteria: Ambry Variant Classification Scheme 2023. Collection method: clinical testing. Allele origin: germline.

Blueprint Genetics
Classification: Uncertain significance. Last evaluated: 2018-05-23. Review status: criteria provided, single submitter. Criteria: ACMG Guidelines, 2015. Collection method: clinical testing. Allele origin: germline.

Literature cited by the submitters: PubMed 25324289 (cited by Labcorp Genetics (formerly Invitae), Labcorp).

NM_001379270.1(CNGA1):c.1622G>A (p.Gly541Asp)

Genes: CNGA1 (cyclic nucleotide gated channel subunit alpha 1; minus strand), LOC101927157 (uncharacterized LOC101927157; plus strand). Cytogenetic location: 4p12.
Variant type: single nucleotide variant.
Coding change: c.1622G>A on transcript NM_001379270.1 (MANE Select); coding-DNA position 1622, G replaced by A.
Protein change: p.Gly541Asp; replaces glycine 541 with aspartic acid.
Molecular consequence: missense variant.
Genome position (GRCh38, 1-based): chr4:47,936,860, C>T on the plus strand (G>A on the coding strand, the complement: CNGA1 is on the minus strand). VCF-style: chr4-47936860-C-T. GRCh37 (hg19) VCF-style: chr4-47938877-C-T.
Other names: c.1622G>A, p.Gly541Asp (NM_000087.5, NM_001142564.2); short protein forms G541D.
Identifiers: ClinVar variation 951694 (VCV000951694.9), dbSNP rs373120472, ClinGen allele CA2911040.